The following is an entry in ClinVar:

NM_024675.4(PALB2):c.772A>G (p.Ser258Gly)

Gene: PALB2 (partner and localizer of BRCA2; minus strand). Cytogenetic location: 16p12.2.
Variant type: single nucleotide variant.
Coding change: c.772A>G on transcript NM_024675.4 (MANE Select); coding-DNA position 772, A replaced by G.
Protein change: p.Ser258Gly; replaces serine 258 with glycine.
Molecular consequence: missense variant. On other transcripts: 5 prime UTR variant (8), intron variant (3).
Genome position (GRCh38, 1-based): chr16:23,635,774, T>C on the plus strand (A>G on the coding strand, the complement: PALB2 is on the minus strand). VCF-style: chr16-23635774-T-C. GRCh37 (hg19) VCF-style: chr16-23647095-T-C.
Other names: c.-114A>G (NM_001407307.1, NM_001407308.1, NM_001407309.1 and 5 more transcripts); c.48+5336A>G (NM_001407314.1); c.-104-5305A>G (NM_001407313.1, NM_001407312.1); c.712A>G, p.Ser238Gly (NM_001407296.1); c.772A>G, p.Ser258Gly (NM_001407297.1, NM_001407298.1, NM_001407299.1 and 3 more transcripts); short protein forms S238G, S258G.
Identifiers: ClinVar variation 2725338 (VCV002725338.3), dbSNP rs2142434905, ClinGen allele CA395136110.
Genomic context (GRCh38, chr16:23,635,774, plus strand): 5'-GGTCGTGAGTAGTAAGTTCACTGCTACCTTTAGGAGGAATGTGTTCAAGGTGCTGACTAC[T>C]ACCGCTATCTGATAGAGTCTGTAAAGGAACTGTAGTCGCCCTGGTGAAATTAGGTCTTCT-3'
Protein context (NP_078951.2, residues 248-268): VPLQTLSDSG[Ser258Gly]SQHLEHIPPK

ClinVar aggregate classification (germline): Uncertain significance (1 of 4 stars; one submission).

Conditions:
Familial cancer of breast. Also called: hereditary breast carcinoma; BREAST CANCER, FAMILIAL; Hereditary breast cancer. Identifiers: Orphanet 227535, MedGen C0346153, MONDO:0016419, OMIM 114480. Disease mechanism: loss of function.

Submission:

Labcorp Genetics (formerly Invitae), Labcorp
Classification: Uncertain significance for Familial cancer of breast. Last evaluated: 2023-06-23. Review status: criteria provided, single submitter. Criteria: Invitae Variant Classification Sherloc (09022015). Collection method: clinical testing. Allele origin: germline.
Comment: This variant is not present in population databases (gnomAD no frequency). This variant has not been reported in the literature in individuals affected with PALB2-related conditions. This sequence change replaces serine, which is neutral and polar, with glycine, which is neutral and non-polar, at codon 258 of the PALB2 protein (p.Ser258Gly). In summary, the available evidence is currently insufficient to determine the role of this variant in disease. Therefore, it has been classified as a Variant of Uncertain Significance. Algorithms developed to predict the effect of missense changes on protein structure and function output the following: SIFT: "Not Available"; PolyPhen-2: "Benign"; Align-GVGD: "Not Available". The glycine amino acid residue is found in multiple mammalian species, which suggests that this missense change does not adversely affect protein function.